The following is an entry in ClinVar:

ClinVar aggregate classification (germline): Likely pathogenic (1 of 4 stars; one submission).

Conditions:
Congenital factor VII deficiency. Identifiers: Orphanet 327, MedGen C0272320, MONDO:0009211, OMIM 227500.

gnomAD v4.1: 5 of 1,612,884 alleles (0.00031%); highest among the groups gnomAD compares: Non-Finnish European, 0.00042%; no homozygotes.

Submission:

Institute of Clinical Chemistry and Institute of Clinical Molecular Biology, University Hospital Schleswig-Holstein, Campus Kiel
Classification: Likely pathogenic for Congenital factor VII deficiency. Last evaluated: 2025-01-07. Review status: criteria provided, single submitter. Criteria: ACMG Guidelines, 2015. Collection method: clinical testing. Allele origin: germline. Affected: yes. Observed: 1 variant allele.
Comment: Applied ACMG criteria: PM1, PM2, PS4_Moderate, PP3_Moderate

NM_019616.4(F7):c.1022C>G (p.Pro341Arg)

Gene: F7 (coagulation factor VII; plus strand). Cytogenetic location: 13q34.
Variant type: single nucleotide variant.
Coding change: c.1022C>G on transcript NM_019616.4 (MANE Select); coding-DNA position 1022, C replaced by G.
Protein change: p.Pro341Arg; replaces proline 341 with arginine.
Molecular consequence: missense variant. On other transcripts: non-coding transcript variant (1).
Genome position (GRCh38, 1-based): chr13:113,118,695, C>G. VCF-style: chr13-113118695-C-G. GRCh37 (hg19) VCF-style: chr13-113773009-C-G.
Other names: c.1088C>G, p.Pro363Arg (NM_000131.5); c.836C>G, p.Pro279Arg (NM_001267554.2); short protein forms P279R, P341R, P363R.
Identifiers: ClinVar variation 4796810 (VCV004796810.1), dbSNP rs963430078.